The following is an entry in ClinVar:

ClinVar aggregate classification (germline): Pathogenic. Review status: criteria provided, single submitter (1 of 4 stars). 2 submissions from 2 submitters: Pathogenic (1). 1 of the submissions does not count toward it. Last evaluated 2023-06-10.

Conditions:
Cataract 2, Coppock-like. Identifiers: MedGen C4015995.
Nuclear pulverulent cataract (CTRCT2). Identifiers: MedGen C1852438, HP:0010698.

Allele frequency attached by ClinVar (database versions not stated): gnomAD exomes below 0.00001.
gnomAD v4.1: 1 of 1,614,204 alleles (0.000062%); highest among the groups gnomAD compares: Non-Finnish European, 0.000085%; no homozygotes.

Submissions (2):

Labcorp Genetics (formerly Invitae), Labcorp
Classification: Pathogenic for Nuclear pulverulent cataract. Last evaluated: 2023-06-10. Review status: criteria provided, single submitter. Criteria: Invitae Variant Classification Sherloc (09022015). Collection method: clinical testing. Allele origin: germline.
Comment: For these reasons, this variant has been classified as Pathogenic. Experimental studies have shown that this missense change affects CRYGC function (PMID: 12601044). An algorithm developed to predict the effect of missense changes on protein structure and function (PolyPhen-2) suggests that this variant is likely to be disruptive. ClinVar contains an entry for this variant (Variation ID: 16943). This variant is also known as 225A>C. This missense change has been observed in individual(s) with congenital cataract (PMID: 10521291, 33243271). It has also been observed to segregate with disease in related individuals. This variant is not present in population databases (gnomAD no frequency). This sequence change replaces threonine, which is neutral and polar, with proline, which is neutral and non-polar, at codon 5 of the CRYGC protein (p.Thr5Pro).

OMIM
Classification: Pathogenic for CATARACT 2, COPPOCK-LIKE. Last evaluated: 2003-03-01. Review status: no assertion criteria provided. Collection method: literature only. Allele origin: germline. Not counted in ClinVar's aggregate classification.

Literature cited by the submitters: PubMed 12601044 (cited by Labcorp Genetics (formerly Invitae), Labcorp and OMIM); PubMed 10521291 (cited by Labcorp Genetics (formerly Invitae), Labcorp and OMIM); PubMed 33243271 (cited by Labcorp Genetics (formerly Invitae), Labcorp); PubMed 8004095 (cited by OMIM).

NM_020989.4(CRYGC):c.13A>C (p.Thr5Pro)

Genes: CRYGC (crystallin gamma C; minus strand), LOC100507443 (uncharacterized LOC100507443; plus strand). Cytogenetic location: 2q33.3.
Variant type: single nucleotide variant.
Coding change: c.13A>C on transcript NM_020989.4 (MANE Select); coding-DNA position 13, A replaced by C.
Protein change: p.Thr5Pro; replaces threonine 5 with proline.
Molecular consequence: missense variant.
Genome position (GRCh38, 1-based): chr2:208,129,680, T>G on the plus strand (A>C on the coding strand, the complement: CRYGC is on the minus strand). VCF-style: chr2-208129680-T-G. GRCh37 (hg19) VCF-style: chr2-208994404-T-G.
Other names: short protein forms T5P.
Identifiers: ClinVar variation 16943 (VCV000016943.4), dbSNP rs104893618, ClinGen allele CA126997.
Genomic context (GRCh38, chr2:208,129,680, plus strand): 5'-TGGGGCAGTCAGTGGTGGTTTCGTAGCTGCGGCCCTGGAAGGCCCTGTCCTCATAGAAGG[T>G]GATCTGCAAAGGAAGAATCGTTCCGAATTACATTATTTGCTCCTAACAGGCATTATATAA-3'
Protein context (NP_066269.1, residues 1-15): MGKI[Thr5Pro]FYEDRAFQGR